The following is an entry in ClinVar:

NM_014915.3(ANKRD26):c.3315G>C (p.Gln1105His)

Gene: ANKRD26 (ankyrin repeat domain containing 26; minus strand). Cytogenetic location: 10p12.1.
Variant type: single nucleotide variant.
Coding change: c.3315G>C on transcript NM_014915.3 (MANE Select); coding-DNA position 3315, G replaced by C.
Protein change: p.Gln1105His; replaces glutamine 1105 with histidine.
Molecular consequence: missense variant.
Genome position (GRCh38, 1-based): chr10:27,035,135, C>G on the plus strand (G>C on the coding strand, the complement: ANKRD26 is on the minus strand). VCF-style: chr10-27035135-C-G. GRCh37 (hg19) VCF-style: chr10-27324064-C-G.
Other names: c.3312G>C, p.Gln1104His (NM_001256053.2); short protein forms Q1104H, Q1105H.
Identifiers: ClinVar variation 4103464 (VCV004103464.1).

ClinVar aggregate classification (germline): Uncertain significance (1 of 4 stars; one submission).

Conditions:
Inborn genetic diseases. Identifiers: MedGen C0950123, MeSH D030342.

Submission:

Ambry Genetics
Classification: Uncertain significance for Inborn genetic diseases. Last evaluated: 2025-07-11. Review status: criteria provided, single submitter. Criteria: Ambry Variant Classification Scheme 2023. Collection method: clinical testing. Allele origin: germline.
Comment: The p.Q1105H variant (also known as c.3315G>C), located in coding exon 24 of the ANKRD26 gene, results from a G to C substitution at nucleotide position 3315. The glutamine at codon 1105 is replaced by histidine, an amino acid with highly similar properties. This amino acid position is conserved. In addition, this alteration is predicted to be tolerated by in silico analysis. Based on the available evidence, the clinical significance of this variant remains unclear.